The following is an entry in ClinVar:

ClinVar aggregate classification (germline): Pathogenic/Likely pathogenic. Review status: criteria provided, multiple submitters, no conflicts (2 of 4 stars). 2 submissions from 2 submitters: Pathogenic (1); Likely pathogenic (1). Last evaluated 2025-04-19.

Conditions:
Fanconi anemia complementation group E (FANCE). Also called: FANCE-Related Fanconi Anemia. Identifiers: Orphanet 84, MedGen C3160739, MONDO:0010953, OMIM 600901.

Allele frequency attached by ClinVar (database versions not stated): gnomAD exomes below 0.00001.

Submissions (2):

Labcorp Genetics (formerly Invitae), Labcorp
Classification: Pathogenic for Fanconi anemia complementation group E. Last evaluated: 2025-04-19. Review status: criteria provided, single submitter. Criteria: Invitae Variant Classification Sherloc (09022015). Collection method: clinical testing. Allele origin: germline.
Comment: This sequence change creates a premature translational stop signal (p.Gln455Serfs*4) in the FANCE gene. It is expected to result in an absent or disrupted protein product. Loss-of-function variants in FANCE are known to be pathogenic (PMID: 11001585, 17924555). This variant is not present in population databases (gnomAD no frequency). This variant has not been reported in the literature in individuals affected with FANCE-related conditions. ClinVar contains an entry for this variant (Variation ID: 962950). For these reasons, this variant has been classified as Pathogenic.

Baylor Genetics
Classification: Likely pathogenic for Fanconi anemia complementation group E. Last evaluated: 2023-11-22. Review status: criteria provided, single submitter. Criteria: ACMG Guidelines, 2015. Collection method: clinical testing. Allele origin: unknown.

Literature cited by the submitters: PubMed 11001585 (cited by Labcorp Genetics (formerly Invitae), Labcorp); PubMed 17924555 (cited by Labcorp Genetics (formerly Invitae), Labcorp).

NM_021922.3(FANCE):c.1363del (p.Gln455fs)

Gene: FANCE (FA complementation group E; plus strand). Cytogenetic location: 6p21.31.
Variant type: Deletion.
Coding change: c.1363del on transcript NM_021922.3 (MANE Select); coding-DNA position 1363, one base deleted (C; older notation c.1363delC).
Protein change: p.Gln455fs; shifts the reading frame from glutamine 455.
Molecular consequence: frameshift variant.
Genome position (GRCh38, 1-based): chr6:35,460,598, C deleted. VCF-style (leftmost placement, unchanged base first): chr6-35460597-GC-G. GRCh37 (hg19) VCF-style: chr6-35428374-GC-G.
Other names: short protein forms Q455fs.
Identifiers: ClinVar variation 962950 (VCV000962950.8), dbSNP rs1767552099, ClinGen allele CA1139659496.